The following is an entry in ClinVar:

NM_001377.3(DYNC2H1):c.1289G>A (p.Arg430His)

Gene: DYNC2H1 (dynein cytoplasmic 2 heavy chain 1; plus strand). Cytogenetic location: 11q22.3.
Variant type: single nucleotide variant.
Coding change: c.1289G>A on transcript NM_001377.3 (MANE Select); coding-DNA position 1289, G replaced by A.
Protein change: p.Arg430His; replaces arginine 430 with histidine.
Molecular consequence: missense variant.
Genome position (GRCh38, 1-based): chr11:103,120,965, G>A. VCF-style: chr11-103120965-G-A. GRCh37 (hg19) VCF-style: chr11-102991694-G-A.
Other names: c.1289G>A, p.Arg430His (NM_001080463.2); short protein forms R430H.
Identifiers: ClinVar variation 446591 (VCV000446591.8), dbSNP rs770380730, ClinGen allele CA6252733.

ClinVar aggregate classification (germline): Uncertain significance. Review status: criteria provided, multiple submitters, no conflicts (2 of 4 stars). 5 submissions from 5 submitters: Uncertain significance (3). 2 of the submissions do not count toward it. Last evaluated 2025-12-19.

Conditions:
Jeune thoracic dystrophy. Also called: Jeune syndrome; Infantile thoracic dystrophy; Thoracic pelvic phalangeal dystrophy; Jeune's syndrome; Chondroectodermal dysplasia-like syndrome; Short-rib thoracic dysplasia. Identifiers: Orphanet 474, MedGen C0265275, MONDO:0018770.

Allele frequency attached by ClinVar (database versions not stated): gnomAD exomes 0.00002 and 0.00009; gnomAD 0.00006; TOPMed 0.00006; ExAC 0.00017.

Submissions (5):

Women's Health and Genetics/Laboratory Corporation of America, LabCorp
Classification: Uncertain significance. Last evaluated: 2025-12-19. Review status: criteria provided, single submitter. Criteria: LabCorp Variant Classification Summary - May 2015. Collection method: clinical testing. Allele origin: germline.
Comment: Variant summary: DYNC2H1 c.1289G>A (p.Arg430His) results in a non-conservative amino acid change located in the Dynein heavy chain, tail (IPR013594) of the encoded protein sequence. Algorithms developed to predict the effect of missense changes on protein structure and function are either unavailable or do not agree on the potential impact of this missense change. The variant allele was found at a frequency of 9.1e-05 in 220506 control chromosomes. This frequency is not significantly higher than estimated for disease-causing variants in DYNC2H1, allowing no conclusion about variant significance. c.1289G>A has been reported in the literature in an individual affected with asphyxiating thoracic dystrophy (Zhang_2018). These data do not allow any conclusion about variant significance. To our knowledge, no experimental evidence demonstrating an impact on protein function has been reported. The following publication has been ascertained in the context of this evaluation (PMID: 29068549). Two submitters have cited clinical-significance assessments for this variant to ClinVar after 2014. One submitter classified the variant as pathogenic, and one submitter classified the variant as uncertain significance. Based on the evidence outlined above, the variant was classified as uncertain significance.

Blueprint Genetics
Classification: Uncertain significance. Last evaluated: 2024-10-29. Review status: criteria provided, single submitter. Criteria: ACMG Guidelines, 2015. Collection method: clinical testing. Allele origin: germline.

Labcorp Genetics (formerly Invitae), Labcorp
Classification: Uncertain significance for Jeune thoracic dystrophy. Last evaluated: 2022-07-25. Review status: criteria provided, single submitter. Criteria: Invitae Variant Classification Sherloc (09022015). Collection method: clinical testing. Allele origin: germline.
Comment: This sequence change replaces arginine, which is basic and polar, with histidine, which is basic and polar, at codon 430 of the DYNC2H1 protein (p.Arg430His). This variant is present in population databases (rs770380730, gnomAD 0.04%). This missense change has been observed in individual(s) with asphyxiating thoracic dystrophy (PMID: 29068549). In at least one individual the data is consistent with being in trans (on the opposite chromosome) from a pathogenic variant. ClinVar contains an entry for this variant (Variation ID: 446591). Advanced modeling of protein sequence and biophysical properties (such as structural, functional, and spatial information, amino acid conservation, physicochemical variation, residue mobility, and thermodynamic stability) performed at Invitae indicates that this missense variant is not expected to disrupt DYNC2H1 protein function. In summary, the available evidence is currently insufficient to determine the role of this variant in disease. Therefore, it has been classified as a Variant of Uncertain Significance.

Dan Cohn Lab, University Of California Los Angeles
Classification: Pathogenic for Asphyxiating thoracic dystrophy. Last evaluated: 2017-06-01. Review status: no assertion criteria provided. Collection method: research. Allele origin: paternal. Affected: yes. Not counted in ClinVar's aggregate classification.

University of Washington Center for Mendelian Genomics, University of Washington
Classification: Likely pathogenic for asphyxiating thoracic dystrophy. Review status: no assertion criteria provided. Collection method: research. Allele origin: inherited. Affected: yes. Not counted in ClinVar's aggregate classification.

Literature cited by the submitters: PubMed 29068549 (cited by 4 submitters).